The following is an entry in ClinVar:

ClinVar aggregate classification (germline): Likely pathogenic (1 of 4 stars; one submission).

Conditions:
Familial cancer of breast. Also called: BREAST CANCER, FAMILIAL; hereditary breast carcinoma; Hereditary breast cancer. Identifiers: Orphanet 227535, MedGen C0346153, MONDO:0016419, OMIM 114480. Disease mechanism: loss of function.

Submission:

Myriad Genetics, Inc.
Classification: Likely pathogenic for Familial cancer of breast. Last evaluated: 2023-05-31. Review status: criteria provided, single submitter. Criteria: Myriad Autosomal Dominant, Autosomal Recessive and X-Linked Classification Criteria (2023). Collection method: clinical testing. Allele origin: unknown.
Comment: This variant is considered likely pathogenic. This variant occurs within a consensus splice junction and is predicted to result in abnormal mRNA splicing of either an out-of-frame exon or an in-frame exon necessary for protein stability and/or normal function.

NM_032043.3(BRIP1):c.628-1G>T

Gene: BRIP1 (BRCA1 interacting DNA helicase 1; minus strand). Cytogenetic location: 17q23.2.
Variant type: single nucleotide variant.
Coding change: c.628-1G>T on transcript NM_032043.3 (MANE Select); the canonical splice acceptor site of the intron before coding-DNA position 628, G replaced by T.
Molecular consequence: splice acceptor variant.
Genome position (GRCh38, 1-based): chr17:61,808,758, C>A on the plus strand (G>T on the coding strand, the complement: BRIP1 is on the minus strand). VCF-style: chr17-61808758-C-A. GRCh37 (hg19) VCF-style: chr17-59886119-C-A.
Identifiers: ClinVar variation 2584244 (VCV002584244.2), dbSNP rs1219435870, ClinGen allele CA400485249.